The following is an entry in ClinVar:

ClinVar aggregate classification (germline): Conflicting classifications of pathogenicity. Review status: criteria provided, conflicting classifications (1 of 4 stars). 2 submissions from 2 submitters: Uncertain significance (1); Likely benign (1). Last evaluated 2025-08-12.

Allele frequency attached by ClinVar (database versions not stated): ESP Exome Variant Server 0.00015; gnomAD exomes 0.00017; gnomAD 0.00019; TOPMed 0.00020; ExAC 0.00024.
gnomAD v4.1: 288 of 1,613,886 alleles (0.018%); highest among the groups gnomAD compares: Admixed American, 0.032%; no homozygotes.

Submissions (2):

Ambry Genetics
Classification: Uncertain significance. Last evaluated: 2025-08-12. Review status: criteria provided, single submitter. Criteria: Ambry Variant Classification Scheme 2023. Collection method: clinical testing. Allele origin: germline.

CeGaT Center for Human Genetics Tuebingen
Classification: Likely benign. Last evaluated: 2024-05-01. Review status: criteria provided, single submitter. Criteria: CeGaT Center For Human Genetics Tuebingen Variant Classification Criteria Version 2. Collection method: clinical testing. Allele origin: germline. Affected: yes. Observed: 1 variant allele.
Comment: MYOM2: BP4

NM_003970.4(MYOM2):c.1582G>A (p.Val528Ile)

Gene: MYOM2 (myomesin 2; plus strand). Cytogenetic location: 8p23.3.
Variant type: single nucleotide variant.
Coding change: c.1582G>A on transcript NM_003970.4 (MANE Select); coding-DNA position 1582, G replaced by A.
Protein change: p.Val528Ile; replaces valine 528 with isoleucine.
Molecular consequence: missense variant.
Genome position (GRCh38, 1-based): chr8:2,085,328, G>A. VCF-style: chr8-2085328-G-A. GRCh37 (hg19) VCF-style: chr8-2033460-G-A.
Other names: c.1582G>A (NM_003970.2); short protein forms V528I.
Identifiers: ClinVar variation 3239077 (VCV003239077.20), dbSNP rs148851201.